The following is an entry in ClinVar:

NM_001349338.3(FOXP1):c.1490G>A (p.Arg497Gln)

Genes: FOXP1 (forkhead box P1; minus strand), LOC126806714 (BRD4-independent group 4 enhancer GRCh37_chr3:71025197-71026396; plus strand). Cytogenetic location: 3p13.
Variant type: single nucleotide variant.
Coding change: c.1490G>A on transcript NM_001349338.3 (MANE Select); coding-DNA position 1490, G replaced by A.
Protein change: p.Arg497Gln; replaces arginine 497 with glutamine.
Molecular consequence: missense variant. On other transcripts: non-coding transcript variant (2).
Genome position (GRCh38, 1-based): chr3:70,976,981, C>T on the plus strand (G>A on the coding strand, the complement: FOXP1 is on the minus strand). VCF-style: chr3-70976981-C-T. GRCh37 (hg19) VCF-style: chr3-71026132-C-T.
Other names: c.1190G>A, p.Arg397Gln (NM_001244815.2, NM_001349342.3, NM_001244813.3); c.1490G>A, p.Arg497Gln (NM_001244816.2, NM_001349340.3, NM_001244810.2 and 2 more transcripts); c.1187G>A, p.Arg396Gln (NM_001349337.2, NM_001349343.3, NM_001349344.3 and 1 more transcripts); c.1487G>A, p.Arg496Gln (NM_001349341.3, NM_001244808.3); c.1262G>A, p.Arg421Gln (NM_001244812.3); short protein forms R396Q, R397Q, R421Q, R496Q, R497Q.
Identifiers: ClinVar variation 1305949 (VCV001305949.5), dbSNP rs751543308, ClinGen allele CA76529278.

ClinVar aggregate classification (germline): Uncertain significance. Review status: criteria provided, multiple submitters, no conflicts (2 of 4 stars). 3 submissions from 3 submitters: Uncertain significance (3). Last evaluated 2025-11-26.

Conditions:
Inborn genetic diseases. Identifiers: MedGen C0950123, MeSH D030342.

Allele frequency attached by ClinVar (database versions not stated): gnomAD 0.00001 and 0.00002.
gnomAD v4.1: 7 of 1,614,162 alleles (0.00043%); highest among the groups gnomAD compares: Middle Eastern, 0.016%; no homozygotes.

Submissions (3):

Ambry Genetics
Classification: Uncertain significance for Inborn genetic diseases. Last evaluated: 2025-11-26. Review status: criteria provided, single submitter. Criteria: Ambry Variant Classification Scheme 2023. Collection method: clinical testing. Allele origin: germline.

Labcorp Genetics (formerly Invitae), Labcorp
Classification: Uncertain significance. Last evaluated: 2024-02-16. Review status: criteria provided, single submitter. Criteria: Invitae Variant Classification Sherloc (09022015). Collection method: clinical testing. Allele origin: germline.
Comment: This sequence change replaces arginine, which is basic and polar, with glutamine, which is neutral and polar, at codon 497 of the FOXP1 protein (p.Arg497Gln). This variant is not present in population databases (gnomAD no frequency). This variant has not been reported in the literature in individuals affected with FOXP1-related conditions. ClinVar contains an entry for this variant (Variation ID: 1305949). Advanced modeling of protein sequence and biophysical properties (such as structural, functional, and spatial information, amino acid conservation, physicochemical variation, residue mobility, and thermodynamic stability) performed at Invitae indicates that this missense variant is not expected to disrupt FOXP1 protein function with a negative predictive value of 80%. In summary, the available evidence is currently insufficient to determine the role of this variant in disease. Therefore, it has been classified as a Variant of Uncertain Significance.

GeneDx
Classification: Uncertain significance. Last evaluated: 2019-06-05. Review status: criteria provided, single submitter. Criteria: GeneDx Variant Classification Process June 2021. Collection method: clinical testing. Allele origin: germline. Affected: yes.
Comment: Has not been previously published as pathogenic or benign to our knowledge; Not observed in large population cohorts (Lek et al., 2016); In silico analysis, which includes protein predictors and evolutionary conservation, supports a deleterious effect